The following is an entry in ClinVar:

ClinVar aggregate classification (germline): Pathogenic. Review status: criteria provided, multiple submitters, no conflicts (2 of 4 stars). 3 submissions from 3 submitters: Pathogenic (3). Last evaluated 2023-09-03.

Conditions:
RYR1-related disorder. Also called: RYR1-related disorders; RYR1-related condition. Identifiers: MedGen CN239331.

Submissions (3):

Labcorp Genetics (formerly Invitae), Labcorp
Classification: Pathogenic for RYR1-related disorder. Last evaluated: 2023-09-03. Review status: criteria provided, single submitter. Criteria: Invitae Variant Classification Sherloc (09022015). Collection method: clinical testing. Allele origin: germline.
Comment: This variant is not present in population databases (gnomAD no frequency). This sequence change creates a premature translational stop signal (p.Leu2657Asnfs*89) in the RYR1 gene. It is expected to result in an absent or disrupted protein product. Loss-of-function variants in RYR1 are known to be pathogenic (PMID: 23919265, 25960145, 28818389, 30611313). This variant has not been reported in the literature in individuals affected with RYR1-related conditions. For these reasons, this variant has been classified as Pathogenic.

Blueprint Genetics
Classification: Pathogenic for RYR1-related disorders. Last evaluated: 2023-06-26. Review status: criteria provided, single submitter. Criteria: ACMG Guidelines, 2015. Collection method: clinical testing. Allele origin: germline. Affected: yes. Observed: 2 variant alleles.

GeneDx
Classification: Pathogenic. Last evaluated: 2019-09-16. Review status: criteria provided, single submitter. Criteria: GeneDx Variant Classification Process June 2021. Collection method: clinical testing. Allele origin: germline. Affected: yes.
Comment: Frameshift variant predicted to result in protein truncation or nonsense mediated decay in a gene for which loss-of-function is a known mechanism of disease; Not observed in large population cohorts (Lek et al., 2016); Has not been previously published as pathogenic or benign to our knowledge

Literature cited by the submitters: PubMed 23919265 (cited by Labcorp Genetics (formerly Invitae), Labcorp); PubMed 25960145 (cited by Labcorp Genetics (formerly Invitae), Labcorp); PubMed 28818389 (cited by Labcorp Genetics (formerly Invitae), Labcorp); PubMed 30611313 (cited by Labcorp Genetics (formerly Invitae), Labcorp).

NM_000540.3(RYR1):c.7969_7970delinsA (p.Leu2657fs)

Gene: RYR1 (ryanodine receptor 1; plus strand). Cytogenetic location: 19q13.2.
Variant type: Indel.
Coding change: c.7969_7970delinsA on transcript NM_000540.3 (MANE Select); coding-DNA positions 7969 to 7970, CT replaced by A.
Protein change: p.Leu2657fs; shifts the reading frame from leucine 2657.
Molecular consequence: frameshift variant.
Genome position (GRCh38, 1-based): chr19:38,504,262-38,504,263, CT replaced by A. VCF-style: chr19-38504262-CT-A. GRCh37 (hg19) VCF-style: chr19-38994902-CT-A.
Other names: c.7969_7970delCTinsA (NM_000540.2); c.7969_7970delinsA, p.Leu2657fs (NM_001042723.2); short protein forms L2657fs.
Identifiers: ClinVar variation 504266 (VCV000504266.7), dbSNP rs1555785090, ClinGen allele CA658799203.
Genomic context (GRCh38, chr19:38,504,262, plus strand): 5'-CCTCTTGTTCCCACCCAGCTCCTCACCAACCACTATGAGCGCTGTTGGAAGTACTACTGC[CT>A]ACCCACGGGCTGGGCCAACTTCGGGGTCACCTCAGAGGAGGAGCTGCACCTCACACGGAA-3'